The following is an entry in ClinVar:

ClinVar aggregate classification (germline): Uncertain significance (1 of 4 stars; one submission).

gnomAD v4.1: 8 of 1,591,638 alleles (0.0005%); highest among the groups gnomAD compares: Non-Finnish European, 0.0006%; no homozygotes.

Submission:

GeneDx
Classification: Uncertain significance. Last evaluated: 2025-04-17. Review status: criteria provided, single submitter. Criteria: GeneDx Variant Classification Process June 2021. Collection method: clinical testing. Allele origin: germline. Affected: yes.
Comment: Not observed at a significant frequency in large population cohorts (gnomAD); In silico analysis supports a deleterious effect on splicing; Has not been previously published as pathogenic or benign to our knowledge

NM_020320.5(RARS2):c.1651-12T>G

Gene: RARS2 (arginyl-tRNA synthetase 2, mitochondrial; minus strand). Cytogenetic location: 6q15.
Variant type: single nucleotide variant.
Coding change: c.1651-12T>G on transcript NM_020320.5 (MANE Select); 12 bases into the intron before coding-DNA position 1651, T replaced by G.
Molecular consequence: intron variant.
Genome position (GRCh38, 1-based): chr6:87,514,511, A>C on the plus strand (T>G on the coding strand, the complement: RARS2 is on the minus strand). VCF-style: chr6-87514511-A-C. GRCh37 (hg19) VCF-style: chr6-88224229-A-C.
Other names: c.1651-12T>G (NM_001350505.2); c.1126-12T>G (NM_001350509.2, NM_001318785.2, NM_001350506.2 and 4 more transcripts).
Identifiers: ClinVar variation 1309147 (VCV001309147.3), dbSNP rs769530438, ClinGen allele CA568697432.